The following is an entry in ClinVar:

NM_001127178.3(PIGG):c.1614+9G>C

Gene: PIGG (phosphatidylinositol glycan anchor biosynthesis class G (EMM blood group); plus strand). Cytogenetic location: 4p16.3.
Variant type: single nucleotide variant.
Coding change: c.1614+9G>C on transcript NM_001127178.3 (MANE Select); 9 bases into the intron after coding-DNA position 1614, G replaced by C.
Molecular consequence: intron variant. On other transcripts: synonymous variant (1), 3 prime UTR variant (2), non-coding transcript variant (1).
Genome position (GRCh38, 1-based): chr4:521,950, G>C. VCF-style: chr4-521950-G-C. GRCh37 (hg19) VCF-style: chr4-515739-G-C.
Other names: c.1356G>C (NM_001289053.1); c.1356G>C, p.Thr452= (NM_001289053.2); c.*185G>C (NM_001289055.2); c.*238G>C (NM_001289057.2); c.516+9G>C (NM_001345994.2); c.1347+9G>C (NM_001345986.2, NM_001289051.2); c.1323+9G>C (NM_001345987.2); c.81+9G>C (NM_001345991.2, NM_001345990.2); and 4 more.
Identifiers: ClinVar variation 1169637 (VCV001169637.11), dbSNP rs188737876, ClinGen allele CA2793369.
Genomic context (GRCh38, chr4:521,950, plus strand): 5'-GATTGTGTCTGTTCTGACCAACGTGCTCGTGGGTGGAAACACCCCAAGGAAGGTACGTAC[G>C]GCTGGTTCCTGGGAGTGTGACGTAGTCCTTCTGCTCAGGTTGTTCTTGTTATTTCAGGCT-3'

ClinVar aggregate classification (germline): Benign/Likely benign. Review status: criteria provided, multiple submitters, no conflicts (2 of 4 stars). 3 submissions from 3 submitters: Benign (1); Likely benign (1). 1 of the submissions does not count toward it. Last evaluated 2025-01-08.

Conditions:
PIGG-related disorder. Also called: PIGG-related condition.
Intellectual disability, autosomal recessive 53 (NEDHSCA). Also called: GLYCOSYLPHOSPHATIDYLINOSITOL BIOSYNTHESIS DEFECT 13; Mental retardation, autosomal recessive 53; NEURODEVELOPMENTAL DISORDER WITH OR WITHOUT HYPOTONIA, SEIZURES, AND CEREBELLAR ATROPHY. Identifiers: Orphanet 488635, MedGen C4310794, MONDO:0014832, OMIM 616917.

gnomAD v4.1: 156 of 1,613,728 alleles (0.0097%); highest among the groups gnomAD compares: Non-Finnish European, 0.0068%; 1 homozygote.

Submissions (3):

Labcorp Genetics (formerly Invitae), Labcorp
Classification: Benign for Intellectual disability, autosomal recessive 53. Last evaluated: 2025-01-08. Review status: criteria provided, single submitter. Criteria: Invitae Variant Classification Sherloc (09022015). Collection method: clinical testing. Allele origin: germline.

Blueprint Genetics
Classification: Likely benign. Last evaluated: 2024-10-09. Review status: criteria provided, single submitter. Criteria: ACMG Guidelines, 2015. Collection method: clinical testing. Allele origin: germline.

PreventionGenetics, part of Exact Sciences
Classification: Likely benign for PIGG-related condition. Last evaluated: 2024-07-18. Review status: no assertion criteria provided. Collection method: clinical testing. Allele origin: germline. Not counted in ClinVar's aggregate classification.
Comment: This variant is classified as likely benign based on ACMG/AMP sequence variant interpretation guidelines (Richards et al. 2015 PMID: 25741868, with internal and published modifications).